The following is an entry in ClinVar:

ClinVar aggregate classification (germline): Pathogenic (1 of 4 stars; one submission).

Conditions:
Duchenne muscular dystrophy (DMD). Also called: Duchenne Muscular Dystrophy (DMD); MUSCULAR DYSTROPHY, PSEUDOHYPERTROPHIC PROGRESSIVE, DUCHENNE TYPE. Identifiers: Orphanet 98896, MedGen C0013264, MONDO:0010679, OMIM 310200.

Submission:

Labcorp Genetics (formerly Invitae), Labcorp
Classification: Pathogenic for Duchenne muscular dystrophy. Last evaluated: 2019-10-30. Review status: criteria provided, single submitter. Criteria: Invitae Variant Classification Sherloc (09022015). Collection method: clinical testing. Allele origin: germline.
Comment: This variant is an out-of-frame deletion of the genomic region encompassing exons 12-44 of the DMD gene. This is expected to create a premature translational stop signal and result in an absent or disrupted protein product. This variant has been observed in several individuals affected with Duchenne muscular dystrophy (PMID: 14977063, Invitae). Loss-of-function variants in DMD are known to be pathogenic (PMID: 16770791, 25007885). For these reasons, this variant has been classified as Pathogenic.

Literature cited by the submitters: PubMed 14977063.

NC_000023.11:g.(?_32216906)_(32614463_?)del

Gene: DMD (dystrophin; minus strand). Cytogenetic location: Xp21.1.
Variant type: Deletion.
Identifiers: ClinVar variation 831234 (VCV000831234.1).